The following is an entry in ClinVar:

NM_000094.4(COL7A1):c.4690C>T (p.Pro1564Ser)

Gene: COL7A1 (collagen type VII alpha 1 chain; minus strand). Cytogenetic location: 3p21.31.
Variant type: single nucleotide variant.
Coding change: c.4690C>T on transcript NM_000094.4 (MANE Select); coding-DNA position 4690, C replaced by T.
Protein change: p.Pro1564Ser; replaces proline 1564 with serine.
Molecular consequence: missense variant.
Genome position (GRCh38, 1-based): chr3:48,581,738, G>A on the plus strand (C>T on the coding strand, the complement: COL7A1 is on the minus strand). VCF-style: chr3-48581738-G-A. GRCh37 (hg19) VCF-style: chr3-48619171-G-A.
Other names: short protein forms P1564S.
Identifiers: ClinVar variation 3614592 (VCV003614592.2).
Genomic context (GRCh38, chr3:48,581,738, plus strand): 5'-TGCCCCCTAAACACTTCGCTTCACTTACCCGTTCCCCTTGGACTCCGGTAGCTCCTCTGG[G>A]CCCAGCGGGCCCCACATCTCCCTGGAGGTGACAAAGACCATCAGTGCTAGTCCCAGGCTC-3'
Protein context (NP_000085.1, residues 1554-1574): GEKGDVGPAG[Pro1564Ser]RGATGVQGER

ClinVar aggregate classification (germline): Uncertain significance (1 of 4 stars; one submission).

gnomAD v4.1: 1 of 1,614,004 alleles (0.000062%); highest among the groups gnomAD compares: Non-Finnish European, 0.000085%; no homozygotes.

Submission:

Labcorp Genetics (formerly Invitae), Labcorp
Classification: Uncertain significance. Last evaluated: 2024-04-04. Review status: criteria provided, single submitter. Criteria: Invitae Variant Classification Sherloc (09022015). Collection method: clinical testing. Allele origin: germline.
Comment: This sequence change replaces proline, which is neutral and non-polar, with serine, which is neutral and polar, at codon 1564 of the COL7A1 protein (p.Pro1564Ser). This variant is not present in population databases (gnomAD no frequency). This variant has not been reported in the literature in individuals affected with COL7A1-related conditions. Advanced modeling of protein sequence and biophysical properties (such as structural, functional, and spatial information, amino acid conservation, physicochemical variation, residue mobility, and thermodynamic stability) performed at Invitae indicates that this missense variant is not expected to disrupt COL7A1 protein function with a negative predictive value of 95%. In summary, the available evidence is currently insufficient to determine the role of this variant in disease. Therefore, it has been classified as a Variant of Uncertain Significance.